The following is an entry in ClinVar:

ClinVar aggregate classification (germline): Conflicting classifications of pathogenicity. Review status: criteria provided, conflicting classifications (1 of 4 stars). 2 submissions from 2 submitters: Uncertain significance (1); Likely benign (1). Last evaluated 2026-02-02.

Conditions:
Fanconi anemia complementation group J. Also called: BRIP1-Related Fanconi Anemia. Identifiers: Orphanet 84, MedGen C1836860, MONDO:0012187, OMIM 609054.
Familial cancer of breast. Also called: BREAST CANCER, FAMILIAL; hereditary breast carcinoma; Hereditary breast cancer. Identifiers: Orphanet 227535, MedGen C0346153, MONDO:0016419, OMIM 114480. Disease mechanism: loss of function.
Hereditary cancer-predisposing syndrome. Also called: Tumor predisposition; Hereditary Cancer Syndrome; Hereditary neoplastic syndrome; Neoplastic Syndromes, Hereditary. Identifiers: Orphanet 140162, MedGen C0027672, MeSH D009386, MONDO:0015356.

Allele frequency attached by ClinVar (database versions not stated): gnomAD exomes below 0.00001.
gnomAD v4.1: 2 of 1,612,442 alleles (0.00012%); highest among the groups gnomAD compares: Middle Eastern, 0.017%; no homozygotes.

Submissions (2):

Ambry Genetics
Classification: Uncertain significance for Hereditary cancer-predisposing syndrome. Last evaluated: 2026-02-02. Review status: criteria provided, single submitter. Criteria: Ambry Variant Classification Scheme 2023. Collection method: clinical testing. Allele origin: germline.
Comment: The c.2906-5C>T intronic variant results from a C to T substitution 5 nucleotides upstream from coding exon 19 in the BRIP1 gene. This nucleotide position is not well conserved in available vertebrate species. In silico splice site analysis predicts that this alteration will not have any significant effect on splicing. Based on the available evidence, the clinical significance of this variant remains unclear.

Labcorp Genetics (formerly Invitae), Labcorp
Classification: Likely benign for Familial cancer of breast; Fanconi anemia complementation group J. Last evaluated: 2025-09-03. Review status: criteria provided, single submitter. Criteria: Invitae Variant Classification Sherloc (09022015). Collection method: clinical testing. Allele origin: germline.

NM_032043.3(BRIP1):c.2906-5C>T

Gene: BRIP1 (BRCA1 interacting DNA helicase 1; minus strand). Cytogenetic location: 17q23.2.
Variant type: single nucleotide variant.
Coding change: c.2906-5C>T on transcript NM_032043.3 (MANE Select); 5 bases into the intron before coding-DNA position 2906, C replaced by T.
Molecular consequence: intron variant.
Genome position (GRCh38, 1-based): chr17:61,684,145, G>A on the plus strand (C>T on the coding strand, the complement: BRIP1 is on the minus strand). VCF-style: chr17-61684145-G-A. GRCh37 (hg19) VCF-style: chr17-59761506-G-A.
Identifiers: ClinVar variation 1797509 (VCV001797509.4), dbSNP rs2144094505, ClinGen allele CA2580094578.